The following is an entry in ClinVar:

ClinVar aggregate classification (germline): Uncertain significance (1 of 4 stars; one submission).

Conditions:
Birt-Hogg-Dube syndrome. Also called: Birt Hogg Dubé syndrome. Identifiers: Orphanet 122, MedGen C0346010, MONDO:0800444.

Submission:

Labcorp Genetics (formerly Invitae), Labcorp
Classification: Uncertain significance for Birt-Hogg-Dube syndrome. Last evaluated: 2022-09-25. Review status: criteria provided, single submitter. Criteria: Invitae Variant Classification Sherloc (09022015). Collection method: clinical testing. Allele origin: germline.
Comment: This variant is not present in population databases (gnomAD no frequency). This sequence change replaces arginine, which is basic and polar, with glycine, which is neutral and non-polar, at codon 350 of the FLCN protein (p.Arg350Gly). This variant has not been reported in the literature in individuals affected with FLCN-related conditions. ClinVar contains an entry for this variant (Variation ID: 529998). Advanced modeling of protein sequence and biophysical properties (such as structural, functional, and spatial information, amino acid conservation, physicochemical variation, residue mobility, and thermodynamic stability) performed at Invitae indicates that this missense variant is not expected to disrupt FLCN protein function. In summary, the available evidence is currently insufficient to determine the role of this variant in disease. Therefore, it has been classified as a Variant of Uncertain Significance.

NM_144997.7(FLCN):c.1048C>G (p.Arg350Gly)

Gene: FLCN (folliculin; minus strand). Cytogenetic location: 17p11.2.
Variant type: single nucleotide variant.
Coding change: c.1048C>G on transcript NM_144997.7 (MANE Select); coding-DNA position 1048, C replaced by G.
Protein change: p.Arg350Gly; replaces arginine 350 with glycine.
Molecular consequence: missense variant.
Genome position (GRCh38, 1-based): chr17:17,219,033, G>C on the plus strand (C>G on the coding strand, the complement: FLCN is on the minus strand). VCF-style: chr17-17219033-G-C. GRCh37 (hg19) VCF-style: chr17-17122347-G-C.
Other names: c.1048C>G (LRG_325t1); c.1102C>G, p.Arg368Gly (NM_001353229.2); c.1048C>G, p.Arg350Gly (NM_001353230.2, NM_001353231.2); short protein forms R350G, R368G.
Identifiers: ClinVar variation 529998 (VCV000529998.6), dbSNP rs1261069493, ClinGen allele CA398532659.